The following is an entry in ClinVar:

NM_004369.4(COL6A3):c.4683G>C (p.Gln1561His)

Gene: COL6A3 (collagen type VI alpha 3 chain; minus strand). Cytogenetic location: 2q37.3.
Variant type: single nucleotide variant.
Coding change: c.4683G>C on transcript NM_004369.4 (MANE Select); coding-DNA position 4683, G replaced by C.
Protein change: p.Gln1561His; replaces glutamine 1561 with histidine.
Molecular consequence: missense variant.
Genome position (GRCh38, 1-based): chr2:237,368,780, C>G on the plus strand (G>C on the coding strand, the complement: COL6A3 is on the minus strand). VCF-style: chr2-237368780-C-G. GRCh37 (hg19) VCF-style: chr2-238277423-C-G.
Other names: c.2862G>C, p.Gln954His (NM_057166.5); c.4065G>C, p.Gln1355His (NM_057167.4); short protein forms Q1355H, Q1561H, Q954H.
Identifiers: ClinVar variation 4750801 (VCV004750801.1).

ClinVar aggregate classification (germline): Uncertain significance (1 of 4 stars; one submission).

Conditions:
Bethlem myopathy 1A. Also called: Bethlem myopathy 1; Bethlem Muscular Dystrophy; MYOPATHY, BENIGN CONGENITAL, WITH CONTRACTURES. Identifiers: Orphanet 610, MedGen CN029274, MONDO:0024530, OMIM 158810.

Submission:

Labcorp Genetics (formerly Invitae), Labcorp
Classification: Uncertain significance for Bethlem myopathy 1A. Last evaluated: 2025-11-26. Review status: criteria provided, single submitter. Criteria: Invitae Variant Classification Sherloc (09022015). Collection method: clinical testing. Allele origin: germline.
Comment: This sequence change replaces glutamine, which is neutral and polar, with histidine, which is basic and polar, at codon 1561 of the COL6A3 protein (p.Gln1561His). This variant is present in population databases (rs113074898, gnomAD 0.0009%). This variant has not been reported in the literature in individuals affected with COL6A3-related conditions. Invitae Evidence Modeling of protein sequence and biophysical properties (such as structural, functional, and spatial information, amino acid conservation, physicochemical variation, residue mobility, and thermodynamic stability) indicates that this missense variant is not expected to disrupt COL6A3 protein function with a negative predictive value of 80%. In summary, the available evidence is currently insufficient to determine the role of this variant in disease. Therefore, it has been classified as a Variant of Uncertain Significance.